The following is an entry in ClinVar:

ClinVar aggregate classification (germline): Likely pathogenic (1 of 4 stars; one submission).

Conditions:
Alveolar capillary dysplasia with pulmonary venous misalignment. Also called: Alveolar capillary dysplasia with misalignment of pulmonary veins; ALVEOLAR CAPILLARY DYSPLASIA WITH MISALIGNMENT OF PULMONARY VEINS AND OTHER CONGENITAL ANOMALIES; Congenital alveolar capillary dysplasia. Identifiers: Orphanet 210122, MedGen C2960310, MONDO:0009934, OMIM 265380.

Submission:

Rady Children's Institute for Genomic Medicine, Rady Children's Hospital San Diego
Classification: Likely pathogenic for ALVEOLAR CAPILLARY DYSPLASIA WITH MISALIGNMENT OF PULMONARY VEINS. Review status: criteria provided, single submitter. Criteria: ACMG Guidelines, 2015. Collection method: clinical testing. Allele origin: germline. Affected: yes.
Comment: This variant has been previously reported as a de novo heterozygous change in two unrelated individuals with Alveolar Capillary Dysplasia with Misalignment of Pulmonary Veins (PMID: 23505205, 29569581). It is absent from the gnomAD population database and thus is presumed to be rare. The c.256C>T (p.Arg86Trp) variant affects a highly conserved amino acid and is predicted by multiple in silico tools to have a deleterious effect on protein function. Based on the available evidence, the c.256C>T (p.Arg86Trp) variant is classified as Likely Pathogenic.

NM_001451.3(FOXF1):c.256C>T (p.Arg86Trp)

Gene: FOXF1 (forkhead box F1; plus strand). Cytogenetic location: 16q24.1.
Variant type: single nucleotide variant.
Coding change: c.256C>T on transcript NM_001451.3 (MANE Select); coding-DNA position 256, C replaced by T.
Protein change: p.Arg86Trp; replaces arginine 86 with tryptophan.
Molecular consequence: missense variant.
Genome position (GRCh38, 1-based): chr16:86,510,825, C>T. VCF-style: chr16-86510825-C-T. GRCh37 (hg19) VCF-style: chr16-86544431-C-T.
Other names: short protein forms R86W.
Identifiers: ClinVar variation 2584512 (VCV002584512.2), dbSNP rs2507450474, ClinGen allele CA397005723.